The following is an entry in ClinVar:

ClinVar aggregate classification (germline): Uncertain significance (1 of 4 stars; one submission).

Submission:

Labcorp Genetics (formerly Invitae), Labcorp
Classification: Uncertain significance. Last evaluated: 2023-05-05. Review status: criteria provided, single submitter. Criteria: Invitae Variant Classification Sherloc (09022015). Collection method: clinical testing. Allele origin: germline.
Comment: In summary, the available evidence is currently insufficient to determine the role of this variant in disease. Therefore, it has been classified as a Variant of Uncertain Significance. Advanced modeling of protein sequence and biophysical properties (such as structural, functional, and spatial information, amino acid conservation, physicochemical variation, residue mobility, and thermodynamic stability) performed at Invitae indicates that this missense variant is expected to disrupt ENPP1 protein function. This variant has not been reported in the literature in individuals affected with ENPP1-related conditions. This variant is not present in population databases (gnomAD no frequency). This sequence change replaces aspartic acid, which is acidic and polar, with glycine, which is neutral and non-polar, at codon 802 of the ENPP1 protein (p.Asp802Gly).

NM_006208.3(ENPP1):c.2405A>G (p.Asp802Gly)

Gene: ENPP1 (ectonucleotide pyrophosphatase/phosphodiesterase 1; plus strand). Cytogenetic location: 6q23.2.
Variant type: single nucleotide variant.
Coding change: c.2405A>G on transcript NM_006208.3 (MANE Select); coding-DNA position 2405, A replaced by G.
Protein change: p.Asp802Gly; replaces aspartic acid 802 with glycine.
Molecular consequence: missense variant.
Genome position (GRCh38, 1-based): chr6:131,885,024, A>G. VCF-style: chr6-131885024-A-G. GRCh37 (hg19) VCF-style: chr6-132206164-A-G.
Other names: short protein forms D802G.
Identifiers: ClinVar variation 2862337 (VCV002862337.3), dbSNP rs2483533127, ClinGen allele CA365656369.